The following is an entry in ClinVar:

ClinVar aggregate classification (germline): Likely pathogenic (1 of 4 stars; one submission).

Conditions:
Spastic ataxia 2. Also called: Ataxia, spastic, 2, autosomal recessive. Identifiers: Orphanet 397946, MedGen C1969796, MONDO:0012651, OMIM 611302.

Submission:

First Genomix Gene Laboratory, Genetic Diagnostics Department
Classification: Likely pathogenic for Spastic ataxia 2. Last evaluated: 2025-07-31. Review status: criteria provided, single submitter. Criteria: ACMG Guidelines, 2015. Collection method: clinical testing. Allele origin: germline. Inheritance: Autosomal recessive inheritance. Affected: no. Observed: 1 variant allele.

NM_006612.6(KIF1C):c.3183del (p.Gln1063fs)

Gene: KIF1C (kinesin family member 1C; plus strand). Cytogenetic location: 17p13.2.
Variant type: Deletion.
Coding change: c.3183del on transcript NM_006612.6 (MANE Select); coding-DNA position 3183, one base deleted (T; older notation c.3183delT).
Protein change: p.Gln1063fs; shifts the reading frame from glutamine 1063.
Molecular consequence: frameshift variant.
Genome position (GRCh38, 1-based): chr17:5,024,022, T deleted. VCF-style (leftmost placement, unchanged base first): chr17-5024021-AT-A. GRCh37 (hg19) VCF-style: chr17-4927316-AT-A.
Other names: c.3183delT (NM_006612.6); short protein forms Q1063fs.
Identifiers: ClinVar variation 4850659 (VCV004850659.1).